The following is an entry in ClinVar:

NM_002880.4(RAF1):c.1913C>T (p.Thr638Met)

Gene: RAF1 (Raf-1 proto-oncogene, serine/threonine kinase; minus strand). Cytogenetic location: 3p25.2.
Variant type: single nucleotide variant.
Coding change: c.1913C>T on transcript NM_002880.4 (MANE Select); coding-DNA position 1913, C replaced by T.
Protein change: p.Thr638Met; replaces threonine 638 with methionine.
Molecular consequence: missense variant. On other transcripts: non-coding transcript variant (3).
Genome position (GRCh38, 1-based): chr3:12,584,548, G>A on the plus strand (C>T on the coding strand, the complement: RAF1 is on the minus strand). VCF-style: chr3-12584548-G-A. GRCh37 (hg19) VCF-style: chr3-12626047-G-A.
Other names: p.T638M:ACG>ATG; c.1973C>T, p.Thr658Met (NM_001354689.3); c.1913C>T, p.Thr638Met (NM_001354690.3); c.1670C>T, p.Thr557Met (NM_001354691.3, NM_001354692.3); c.1814C>T, p.Thr605Met (NM_001354693.3); c.1730C>T, p.Thr577Met (NM_001354694.3); c.1571C>T, p.Thr524Met (NM_001354695.3); short protein forms T638M, T524M, T557M, T577M, T658M, T605M.
Identifiers: ClinVar variation 181515 (VCV000181515.30), dbSNP rs730881007, ClinGen allele CA297142.

ClinVar aggregate classification (germline): Conflicting classifications of pathogenicity. Review status: criteria provided, conflicting classifications (1 of 4 stars). 6 submissions from 6 submitters: Uncertain significance (4); Likely benign (2). Last evaluated 2025-12-09.

Conditions:
Cardiovascular phenotype. Identifiers: MedGen CN230736.
RASopathy. Also called: rasopathies; Noonan spectrum disorder. Identifiers: Orphanet 536391, MedGen C5555857, MONDO:0021060.

Allele frequency attached by ClinVar (database versions not stated): ExAC 0.00002; gnomAD 0.00004 and 0.00005; TOPMed 0.00004; gnomAD exomes 0.00005.
gnomAD v4.1: 89 of 1,614,054 alleles (0.0055%); highest among the groups gnomAD compares: Middle Eastern, 0.033%; no homozygotes.

Submissions (6):

Labcorp Genetics (formerly Invitae), Labcorp
Classification: Uncertain significance for RASopathy. Last evaluated: 2025-12-09. Review status: criteria provided, single submitter. Criteria: Invitae Variant Classification Sherloc (09022015). Collection method: clinical testing. Allele origin: germline.
Comment: This sequence change replaces threonine, which is neutral and polar, with methionine, which is neutral and non-polar, at codon 638 of the RAF1 protein (p.Thr638Met). This variant is present in population databases (rs730881007, gnomAD 0.01%). This variant has not been reported in the literature in individuals affected with RAF1-related conditions. ClinVar contains an entry for this variant (Variation ID: 181515). Invitae Evidence Modeling incorporating data from in vitro experimental studies (internal data) indicates that this missense variant is not expected to disrupt RAF1 function with a negative predictive value of 80%. In summary, the available evidence is currently insufficient to determine the role of this variant in disease. Therefore, it has been classified as a Variant of Uncertain Significance.

CeGaT Center for Human Genetics Tuebingen
Classification: Uncertain significance. Last evaluated: 2024-12-01. Review status: criteria provided, single submitter. Criteria: CeGaT Center For Human Genetics Tuebingen Variant Classification Criteria Version 2. Collection method: clinical testing. Allele origin: germline. Affected: yes. Observed: 1 variant allele.

Ambry Genetics
Classification: Uncertain significance for Cardiovascular phenotype. Last evaluated: 2024-09-20. Review status: criteria provided, single submitter. Criteria: Ambry Variant Classification Scheme 2023. Collection method: clinical testing. Allele origin: germline.
Comment: The p.T638M variant (also known as c.1913C>T), located in coding exon 16 of the RAF1 gene, results from a C to T substitution at nucleotide position 1913. The threonine at codon 638 is replaced by methionine, an amino acid with similar properties. This amino acid position is highly conserved in available vertebrate species. In addition, the in silico prediction for this alteration is inconclusive. Since supporting evidence is limited at this time, the clinical significance of this alteration remains unclear.

Blueprint Genetics
Classification: Likely benign. Last evaluated: 2022-05-27. Review status: criteria provided, single submitter. Criteria: ACMG Guidelines, 2015. Collection method: clinical testing. Allele origin: germline.

Women's Health and Genetics/Laboratory Corporation of America, LabCorp
Classification: Likely benign. Last evaluated: 2021-03-15. Review status: criteria provided, single submitter. Criteria: LabCorp Variant Classification Summary - May 2015. Collection method: clinical testing. Allele origin: germline.
Comment: Variant summary: RAF1 c.1913C>T (p.Thr638Met) results in a non-conservative amino acid change in the encoded protein sequence. Three of five in-silico tools predict a benign effect of the variant on protein function. The variant allele was found at a frequency of 4.8e-05 in 251270 control chromosomes. The observed variant frequency is approximately 1.9 fold of the estimated maximal expected allele frequency for a pathogenic variant in RAF1 causing Noonan Syndrome phenotype (2.5e-05), strongly suggesting that the variant is benign. To our knowledge, no occurrence of c.1913C>T in individuals affected with Noonan Syndrome and no experimental evidence demonstrating its impact on protein function have been reported. Two clinical diagnostic laboratories have submitted clinical-significance assessments for this variant to ClinVar after 2014 without evidence for independent evaluation. All laboratories classified the variant as uncertain significance. Based on the evidence outlined above, the variant was classified as likely benign.

GeneDx
Classification: Uncertain significance. Last evaluated: 2014-07-16. Review status: criteria provided, single submitter. Criteria: GeneDx Variant Classification (06012015). Collection method: clinical testing. Allele origin: germline. Affected: yes.
Comment: p.Thr638Met (ACG>ATG): c.1913 C>T in exon 17 of the RAF1 gene (NM_002880.3). A variant of unknown significance has been identified in the RAF1 gene. The T638M variant has not been published as a mutation, nor has it been reported as a benign polymorphism to our knowledge. The T638M variant was not observed in approximately 6,500 individuals of European and African American ancestry in the NHLBI Exome Sequencing Project, indicating it is not a common benign variant in these populations. The T638M variant is a non-conservative amino acid substitution, which is likely to impact secondary protein structure as these residues differ in polarity, charge, size and/or other properties. This substitution occurs at a position that is conserved across species. However, in silico analysis is inconsistent in its predictions as to whether or not the variant is damaging to the protein structure/function. Additionally, missense mutations in nearby residues have not been reported indicating this region of the protein may tolerate change. Therefore, based on the currently available information, it is unclear whether this variant is a pathogenic mutation or a rare benign variant.The variant is found in CARDIOMYOPATHY panel(s).